The following is an entry in ClinVar:

ClinVar aggregate classification (germline): Benign (1 of 4 stars; one submission).

Allele frequency attached by ClinVar (database versions not stated): 1000 Genomes Project 0.17053; 1000 Genomes Project 30x 0.17692; gnomAD exomes 0.21116 and 0.24780; ExAC 0.22266; TOPMed 0.23944; gnomAD 0.25137 and 0.25878; ESP Exome Variant Server 0.26703.
gnomAD v4.1: 399,397 of 1,611,844 alleles (25%); highest among the groups gnomAD compares: African/African-American, 30%; 52,495 homozygotes.

Submission:

Laboratory for Molecular Medicine, Mass General Brigham Personalized Medicine
Classification: Benign. Last evaluated: 2016-03-29. Review status: criteria provided, single submitter. Criteria: LMM Criteria. Collection method: clinical testing. Allele origin: germline.
Comment: Variant identified in a genome or exome case(s) and assessed due to predicted null impact of the variant or pathogenic assertions in the literature or databases. Disclaimer: This variant has not undergone full assessment. The following are preliminary notes: Frequency

NM_001101648.2(NPC1L1):c.3634-9A>C

Gene: NPC1L1 (NPC1 like intracellular cholesterol transporter 1; minus strand). Cytogenetic location: 7p13.
Variant type: single nucleotide variant.
Coding change: c.3634-9A>C on transcript NM_001101648.2 (MANE Select); 9 bases into the intron before coding-DNA position 3634, A replaced by C.
Molecular consequence: intron variant.
Genome position (GRCh38, 1-based): chr7:44,515,974, T>G on the plus strand (A>C on the coding strand, the complement: NPC1L1 is on the minus strand). VCF-style: chr7-44515974-T-G. GRCh37 (hg19) VCF-style: chr7-44555573-T-G.
Other names: c.3715-9A>C (NM_013389.3).
Identifiers: ClinVar variation 403257 (VCV000403257.4), dbSNP rs217428, ClinGen allele CA4241450.